The following is an entry in ClinVar:

NM_000138.5(FBN1):c.4747+1G>A

Gene: FBN1 (fibrillin 1; minus strand). Cytogenetic location: 15q21.1.
Variant type: single nucleotide variant.
Coding change: c.4747+1G>A on transcript NM_000138.5 (MANE Select); the canonical splice donor site of the intron after coding-DNA position 4747, G replaced by A.
Molecular consequence: splice donor variant.
Genome position (GRCh38, 1-based): chr15:48,467,937, C>T on the plus strand (G>A on the coding strand, the complement: FBN1 is on the minus strand). VCF-style: chr15-48467937-C-T. GRCh37 (hg19) VCF-style: chr15-48760134-C-T.
Other names: c.4747+1G>A (NM_001406716.1).
Identifiers: ClinVar variation 1489586 (VCV001489586.8), dbSNP rs2141272220, ClinGen allele CA392352645.
Genomic context (GRCh38, chr15:48,467,937, plus strand): 5'-GATCTAGAAAGGAGAACTGGCTGGAGTTGAAATAATAATAAATAGGAGGATGTCCACTTA[C>T]ATGTGTTCACAGCAGGACACATCTCACAAGGAGTACCCCAGGCTTTACCCAGAGAACAGC-3'

ClinVar aggregate classification (germline): Likely pathogenic. Review status: criteria provided, multiple submitters, no conflicts (2 of 4 stars). 3 submissions from 3 submitters: Likely pathogenic (3). Last evaluated 2026-03-23.

Conditions:
Marfan syndrome (MFS). Also called: MARFAN SYNDROME, TYPE I; Marfan syndrome type 1; Marfan's syndrome; Marfan syndrome, classic; FBN1-Related Marfan Syndrome. Identifiers: Orphanet 284963, Orphanet 558, MedGen C0024796, MONDO:0007947, OMIM 154700.
Familial thoracic aortic aneurysm and aortic dissection (TAAD). Also called: Thoracic aortic aneurysms and dissections. Identifiers: Orphanet 91387, MedGen C4707243, MONDO:0019625.
FBN1-related disorder. Also called: FBN1-related disorders.
Marfan Syndrome/Loeys-Dietz Syndrome/Familial Thoracic Aortic Aneurysms and Dissections. Identifiers: MedGen CN229799.

Submissions (3):

Women's Health and Genetics/Laboratory Corporation of America, LabCorp
Classification: Likely pathogenic for Marfan Syndrome/Loeys-Dietz Syndrome/Familial Thoracic Aortic Aneurysms and Dissections. Last evaluated: 2026-03-23. Review status: criteria provided, single submitter. Criteria: LabCorp Variant Classification Summary - May 2015. Collection method: clinical testing. Allele origin: germline.
Comment: Variant summary: FBN1 c.4747+1G>A is located in a canonical splice-site and is predicted to affect mRNA splicing resulting in a significantly altered protein due to either exon skipping, shortening, or inclusion of intronic material. Variants that disrupt the consensus splice site are a relatively common cause of aberrant splicing and loss of FBN1 function. Several computational tools predict a significant impact on normal splicing: Four predict the variant abolishes a canonical 5' splicing donor site. However, these predictions have yet to be confirmed by functional studies. The variant was absent in 251218 control chromosomes (gnomAD). To our knowledge, no occurrence of c.4747+1G>A in individuals affected with FBN1-related conditions and no experimental evidence demonstrating its impact on protein function have been reported. ClinVar contains an entry for this variant (Variation ID: 1489586). Based on the evidence outlined above, the variant was classified as likely pathogenic.

Labcorp Genetics (formerly Invitae), Labcorp
Classification: Likely pathogenic for Marfan syndrome; Familial thoracic aortic aneurysm and aortic dissection. Last evaluated: 2025-04-02. Review status: criteria provided, single submitter. Criteria: Invitae Variant Classification Sherloc (09022015). Collection method: clinical testing. Allele origin: germline.
Comment: This sequence change affects a donor splice site in intron 38 of the FBN1 gene. It is expected to disrupt RNA splicing. Variants that disrupt the donor or acceptor splice site typically lead to a loss of protein function (PMID: 16199547), and loss-of-function variants in FBN1 are known to be pathogenic (PMID: 17657824, 19293843). This variant is not present in population databases (gnomAD no frequency). Disruption of this splice site has been observed in individual(s) with clinical features of FBN1-related conditions (internal data). ClinVar contains an entry for this variant (Variation ID: 1489586). Algorithms developed to predict the effect of sequence changes on RNA splicing suggest that this variant may disrupt the consensus splice site. In summary, the currently available evidence indicates that the variant is pathogenic, but additional data are needed to prove that conclusively. Therefore, this variant has been classified as Likely Pathogenic.

Blueprint Genetics
Classification: Likely pathogenic for FBN1-related disorders. Last evaluated: 2021-06-25. Review status: criteria provided, single submitter. Criteria: ACMG Guidelines, 2015. Collection method: clinical testing. Allele origin: germline. Affected: yes. Observed: 2 variant alleles.

Literature cited by the submitters: PubMed 16199547 (cited by Labcorp Genetics (formerly Invitae), Labcorp); PubMed 17657824 (cited by Labcorp Genetics (formerly Invitae), Labcorp); PubMed 19293843 (cited by Labcorp Genetics (formerly Invitae), Labcorp).